The following is an entry in ClinVar:

ClinVar aggregate classification (germline): Likely benign. Review status: criteria provided, multiple submitters, no conflicts (2 of 4 stars). 4 submissions from 4 submitters: Likely benign (3). 1 of the submissions does not count toward it. Last evaluated 2025-11-03.

Conditions:
AK2-related disorder. Also called: AK2-related condition.
Reticular dysgenesis. Also called: ALEUKOCYTOSIS; CONGENITAL ALEUKIA; HEMATOPOIETIC HYPOPLASIA, GENERALIZED; RETICULAR DYSGENESIA; SEVERE COMBINED IMMUNODEFICIENCY WITH LEUKOPENIA; DeVaal disease. Identifiers: Orphanet 33355, MedGen C0272167, MONDO:0009973, OMIM 267500.

Submissions (4):

Labcorp Genetics (formerly Invitae), Labcorp
Classification: Likely benign for Reticular dysgenesis. Last evaluated: 2025-11-03. Review status: criteria provided, single submitter. Criteria: Invitae Variant Classification Sherloc (09022015). Collection method: clinical testing. Allele origin: germline.

Blueprint Genetics
Classification: Likely benign. Last evaluated: 2024-11-26. Review status: criteria provided, single submitter. Criteria: ACMG Guidelines, 2015. Collection method: clinical testing. Allele origin: germline.

Breakthrough Genomics
Classification: Likely benign. Review status: criteria provided, single submitter. Criteria: ACMG Guidelines, 2015. Collection method: not provided. Allele origin: germline. Inheritance: Autosomal recessive inheritance. Affected: yes.

PreventionGenetics, part of Exact Sciences
Classification: Likely benign for AK2-related condition. Last evaluated: 2021-09-11. Review status: no assertion criteria provided. Collection method: clinical testing. Allele origin: germline. Not counted in ClinVar's aggregate classification.
Comment: This variant is classified as likely benign based on ACMG/AMP sequence variant interpretation guidelines (Richards et al. 2015 PMID: 25741868, with internal and published modifications).

NM_001625.4(AK2):c.630C>T (p.Ile210=)

Gene: AK2 (adenylate kinase 2; minus strand). Cytogenetic location: 1p35.1.
Variant type: single nucleotide variant.
Coding change: c.630C>T on transcript NM_001625.4 (MANE Select); coding-DNA position 630, C replaced by T.
Protein change: p.Ile210=; no amino-acid change (isoleucine 210 retained).
Molecular consequence: synonymous variant. On other transcripts: 3 prime UTR variant (1), non-coding transcript variant (1).
Genome position (GRCh38, 1-based): chr1:33,013,271, G>A on the plus strand (C>T on the coding strand, the complement: AK2 is on the minus strand). VCF-style: chr1-33013271-G-A. GRCh37 (hg19) VCF-style: chr1-33478872-G-A.
Other names: c.606C>T, p.Ile202= (NM_001199199.3); c.486C>T, p.Ile162= (NM_001319139.3, NM_001319140.2); c.630C>T, p.Ile210= (NM_001319141.3, NM_013411.5); c.504C>T, p.Ile168= (NM_001319142.3); c.*133C>T (NM_001319143.2).
Identifiers: ClinVar variation 529735 (VCV000529735.15), dbSNP rs746330303, ClinGen allele CA747048.